The following is an entry in ClinVar:

NM_001351661.2(MACROD2):c.775+7139del

Genes: MACROD2 (mono-ADP ribosylhydrolase 2; plus strand), LOC613266 (uncharacterized LOC613266; minus strand). Cytogenetic location: 20p12.1.
Variant type: Deletion.
Coding change: c.775+7139del on transcript NM_001351661.2 (MANE Select); 7139 bases into the intron after coding-DNA position 775, one base deleted (T; older notation c.775+7139delT).
Molecular consequence: intron variant. On other transcripts: non-coding transcript variant (2).
Genome position (GRCh38, 1-based): chr20:15,892,950, T deleted. VCF-style (leftmost placement, unchanged base first): chr20-15892949-CT-C. GRCh37 (hg19) VCF-style: chr20-15873594-CT-C.
Other names: c.775+7139del (NM_001351663.2, NM_080676.6); c.70+7139del (NM_001351664.2, NM_001033087.2).
Identifiers: ClinVar variation 3778142 (VCV003778142.7).

ClinVar aggregate classification (germline): Benign (1 of 4 stars; one submission).

Submission:

CeGaT Center for Human Genetics Tuebingen
Classification: Benign. Last evaluated: 2025-03-01. Review status: criteria provided, single submitter. Criteria: CeGaT Center For Human Genetics Tuebingen Variant Classification Criteria Version 2. Collection method: clinical testing. Allele origin: germline. Affected: yes. Observed: 1 variant allele.
Comment: ENSG00000286546: BS1, BS2; MACROD2: BS1, BS2